The following is an entry in ClinVar:

ClinVar aggregate classification (germline): Uncertain significance (1 of 4 stars; one submission).

Allele frequency attached by ClinVar (database versions not stated): gnomAD 0.00001.
gnomAD v4.1: 1 of 1,612,188 alleles (0.000062%); highest among the groups gnomAD compares: African/African-American, 0.0013%; no homozygotes.

Submission:

Labcorp Genetics (formerly Invitae), Labcorp
Classification: Uncertain significance. Last evaluated: 2024-12-27. Review status: criteria provided, single submitter. Criteria: Invitae Variant Classification Sherloc (09022015). Collection method: clinical testing. Allele origin: germline.
Comment: This sequence change replaces cysteine, which is neutral and slightly polar, with serine, which is neutral and polar, at codon 507 of the TNNI3K protein (p.Cys507Ser). This variant is not present in population databases (gnomAD no frequency). This variant has not been reported in the literature in individuals affected with TNNI3K-related conditions. ClinVar contains an entry for this variant (Variation ID: 3012890). Invitae Evidence Modeling of protein sequence and biophysical properties (such as structural, functional, and spatial information, amino acid conservation, physicochemical variation, residue mobility, and thermodynamic stability) indicates that this missense variant is not expected to disrupt TNNI3K protein function with a negative predictive value of 80%. In summary, the available evidence is currently insufficient to determine the role of this variant in disease. Therefore, it has been classified as a Variant of Uncertain Significance.

NM_015978.3(TNNI3K):c.1520G>C (p.Cys507Ser)

Genes: FPGT-TNNI3K (FPGT-TNNI3K readthrough; plus strand), TNNI3K (TNNI3 interacting kinase; plus strand). Cytogenetic location: 1p31.1.
Variant type: single nucleotide variant.
Coding change: c.1520G>C on transcript NM_015978.3 (MANE Select); coding-DNA position 1520, G replaced by C.
Protein change: p.Cys507Ser; replaces cysteine 507 with serine.
Molecular consequence: missense variant.
Genome position (GRCh38, 1-based): chr1:74,369,438, G>C. VCF-style: chr1-74369438-G-C. GRCh37 (hg19) VCF-style: chr1-74835122-G-C.
Other names: c.1823G>C, p.Cys608Ser (NM_001112808.3, NM_001199327.2); short protein forms C507S, C608S.
Identifiers: ClinVar variation 3012890 (VCV003012890.3), dbSNP rs1336275860, ClinGen allele CA340786153.